The following is an entry in ClinVar:

ClinVar aggregate classification (germline): Benign. Review status: criteria provided, multiple submitters, no conflicts (2 of 4 stars). 2 submissions from 2 submitters: Benign (2). Last evaluated 2018-01-13.

Conditions:
Autosomal dominant optic atrophy classic form (OPA1). Also called: KJER-TYPE OPTIC ATROPHY; OPTIC ATROPHY, JUVENILE; Optic Atrophy Type 1. Identifiers: Orphanet 98673, MedGen C0338508, MONDO:0008134, OMIM 165500.

Allele frequency attached by ClinVar (database versions not stated): gnomAD 0.61309 and 0.61636; TOPMed 0.61325; 1000 Genomes Project 30x 0.63554; 1000 Genomes Project 0.64117; gnomAD exomes 0.83333.
gnomAD v4.1: 93,782 of 152,042 alleles (62%); highest among the groups gnomAD compares: East Asian, 71%; 29,129 homozygotes.

Submissions (2):

Illumina Laboratory Services, Illumina
Classification: Benign for Autosomal dominant optic atrophy classic form. Last evaluated: 2018-01-13. Review status: criteria provided, single submitter. Criteria: ICSL Variant Classification Criteria 13 December 2019. Collection method: clinical testing. Allele origin: germline.
Comment: This variant was observed in the ICSL laboratory as part of a predisposition screen in an ostensibly healthy population. It had not been previously curated by ICSL or reported in the Human Gene Mutation Database (HGMD: prior to June 1st, 2018), and was therefore a candidate for classification through an automated scoring system. Utilizing variant allele frequency, disease prevalence and penetrance estimates, and inheritance mode, an automated score was calculated to assess if this variant is too frequent to cause the disease. Based on the score and internal cut-off values, a variant classified as benign is not then subjected to further curation. The score for this variant resulted in a classification of benign for this disease.

Breakthrough Genomics
Classification: Benign. Review status: criteria provided, single submitter. Criteria: ACMG Guidelines, 2015. Collection method: not provided. Allele origin: germline. Inheritance: Autosomal recessive inheritance. Affected: yes.

NM_130837.3(OPA1):c.*283A>G

Gene: OPA1 (OPA1 mitochondrial dynamin like GTPase; plus strand). Cytogenetic location: 3q29.
Variant type: single nucleotide variant.
Coding change: c.*283A>G on transcript NM_130837.3 (MANE Select); 283 bases downstream of the stop codon, A replaced by G.
Molecular consequence: 3 prime UTR variant.
Genome position (GRCh38, 1-based): chr3:193,694,883, A>G. VCF-style: chr3-193694883-A-G. GRCh37 (hg19) VCF-style: chr3-193412672-A-G.
Other names: c.*283A>G (NM_001354663.2, NM_001354664.2, NM_015560.3 and 6 more transcripts).
Identifiers: ClinVar variation 344491 (VCV000344491.6), dbSNP rs1061648, ClinGen allele CA10618280.
Genomic context (GRCh38, chr3:193,694,883, plus strand): 5'-GTGACAAATCGGAATAATATAATTGGTATGGCCATTAGGTTCAGTCCTTGAAGATAAGAA[A>G]CTTGTTCTCTGTTTGTTGTCTTATTTGTGGTGGCACTCGTTTAATGGATTAACTGAGGTT-3'